The following is an entry in ClinVar:

ClinVar aggregate classification (germline): Likely benign. Review status: criteria provided, multiple submitters, no conflicts (2 of 4 stars). 4 submissions from 4 submitters: Likely benign (3). 1 of the submissions does not count toward it. Last evaluated 2026-01-11.

Conditions:
Glycogen storage disease IXa1. Also called: Glycogen storage disease 8; LIVER GLYCOGENOSIS, X-LINKED, TYPE I; GLYCOGEN STORAGE DISEASE VIII; GSD VIII. Identifiers: Orphanet 264580, MedGen C3694531, MONDO:0010598, OMIM 306000.
PHKA2-related disorder. Also called: PHKA2-related condition.

Allele frequency attached by ClinVar (database versions not stated): ESP Exome Variant Server 0.00009.
gnomAD v4.1: 64 of 1,204,231 alleles (0.0053%); highest among the groups gnomAD compares: Non-Finnish European, 0.0067%; 1 homozygote.

Submissions (4):

Labcorp Genetics (formerly Invitae), Labcorp
Classification: Likely benign for Glycogen storage disease IXa1. Last evaluated: 2026-01-11. Review status: criteria provided, single submitter. Criteria: Invitae Variant Classification Sherloc (09022015). Collection method: clinical testing. Allele origin: germline.

Blueprint Genetics
Classification: Likely benign. Last evaluated: 2024-10-28. Review status: criteria provided, single submitter. Criteria: ACMG Guidelines, 2015. Collection method: clinical testing. Allele origin: germline.

CeGaT Center for Human Genetics Tuebingen
Classification: Likely benign. Last evaluated: 2023-03-01. Review status: criteria provided, single submitter. Criteria: CeGaT Center For Human Genetics Tuebingen Variant Classification Criteria Version 2. Collection method: clinical testing. Allele origin: germline. Affected: yes. Observed: 2 variant alleles.
Comment: PHKA2: BP4, BS2

PreventionGenetics, part of Exact Sciences
Classification: Likely benign for PHKA2-related condition. Last evaluated: 2024-05-17. Review status: no assertion criteria provided. Collection method: clinical testing. Allele origin: germline. Not counted in ClinVar's aggregate classification.
Comment: This variant is classified as likely benign based on ACMG/AMP sequence variant interpretation guidelines (Richards et al. 2015 PMID: 25741868, with internal and published modifications).

NM_000292.3(PHKA2):c.1215C>T (p.Ser405=)

Gene: PHKA2 (phosphorylase kinase regulatory subunit alpha 2; minus strand). Cytogenetic location: Xp22.13.
Variant type: single nucleotide variant.
Coding change: c.1215C>T on transcript NM_000292.3 (MANE Select); coding-DNA position 1215, C replaced by T.
Protein change: p.Ser405=; no amino-acid change (serine 405 retained).
Molecular consequence: synonymous variant.
Genome position (GRCh38, 1-based): chrX:18,931,671, G>A on the plus strand (C>T on the coding strand, the complement: PHKA2 is on the minus strand). VCF-style: chrX-18931671-G-A. GRCh37 (hg19) VCF-style: chrX-18949789-G-A.
Other names: c.1215C>T (NM_000292.2).
Identifiers: ClinVar variation 1569955 (VCV001569955.33), dbSNP rs368320508, ClinGen allele CA10361945.